The following is an entry in ClinVar:

ClinVar aggregate classification (germline): Likely benign. Review status: criteria provided, multiple submitters, no conflicts (2 of 4 stars). 2 submissions from 2 submitters: Likely benign (2). Last evaluated 2024-03-04.

Conditions:
Left ventricular noncompaction 1 (LVNC1). Also called: LEFT VENTRICULAR NONCOMPACTION 1 WITH OR WITHOUT CONGENITAL HEART DEFECTS. Identifiers: Orphanet 54260, MedGen C1858725, MONDO:0011403, OMIM 604169.

Allele frequency attached by ClinVar (database versions not stated): gnomAD 0.00001; gnomAD exomes 0.00001 and 0.00002; TOPMed 0.00001; ExAC 0.00003.
gnomAD v4.1: 17 of 1,613,944 alleles (0.0011%); highest among the groups gnomAD compares: African/African-American, 0.0013%; no homozygotes.

Submissions (2):

Labcorp Genetics (formerly Invitae), Labcorp
Classification: Likely benign for Left ventricular noncompaction 1. Last evaluated: 2024-03-04. Review status: criteria provided, single submitter. Criteria: Invitae Variant Classification Sherloc (09022015). Collection method: clinical testing. Allele origin: germline.

Laboratory for Molecular Medicine, Mass General Brigham Personalized Medicine
Classification: Likely benign. Last evaluated: 2011-11-03. Review status: criteria provided, single submitter. Criteria: LMM Criteria. Collection method: clinical testing. Allele origin: germline. Observed: 1 variant allele.
Comment: Lys413Lys in exon 14 of DTNA: This variant does not change an amino acid and doe s not affect the splice consensus sequence. This makes a disease causing role ve ry unlikely. Lys413Lys in exon 14 of DTNA (allele frequency = n/a)

NM_001386795.1(DTNA):c.1491G>A (p.Lys497=)

Gene: DTNA (dystrobrevin alpha; plus strand). Cytogenetic location: 18q12.1.
Variant type: single nucleotide variant.
Coding change: c.1491G>A on transcript NM_001386795.1 (MANE Select); coding-DNA position 1491, G replaced by A.
Protein change: p.Lys497=; no amino-acid change (lysine 497 retained).
Molecular consequence: synonymous variant.
Genome position (GRCh38, 1-based): chr18:34,851,887, G>A. VCF-style: chr18-34851887-G-A. GRCh37 (hg19) VCF-style: chr18-32431851-G-A.
Other names: c.1230G>A, p.Lys410= (NM_001198938.2, NM_001198939.2, NM_001198940.2 and 9 more transcripts); c.537G>A, p.Lys179= (NM_001198942.1); c.480G>A, p.Lys160= (NM_001198943.1); c.366G>A, p.Lys122= (NM_001198944.1); c.660G>A, p.Lys220= (NM_001198945.2); c.1320G>A, p.Lys440= (NM_001386754.1, NM_001386755.1, NM_001386756.1 and 4 more transcripts); c.1317G>A, p.Lys439= (NM_001386760.1); c.1239G>A, p.Lys413= (NM_001386761.1, NM_032975.4, NM_032979.5); and 7 more.
Identifiers: ClinVar variation 46414 (VCV000046414.14), dbSNP rs397517444, ClinGen allele CA138295.